The following is an entry in ClinVar:

NM_001943.5(DSG2):c.1066A>C (p.Asn356His)

Gene: DSG2 (desmoglein 2; plus strand). Cytogenetic location: 18q12.1.
Variant type: single nucleotide variant.
Coding change: c.1066A>C on transcript NM_001943.5 (MANE Select); coding-DNA position 1066, A replaced by C.
Protein change: p.Asn356His; replaces asparagine 356 with histidine.
Molecular consequence: missense variant.
Genome position (GRCh38, 1-based): chr18:31,531,038, A>C. VCF-style: chr18-31531038-A-C. GRCh37 (hg19) VCF-style: chr18-29111001-A-C.
Other names: short protein forms N356H.
Identifiers: ClinVar variation 2130508 (VCV002130508.4), dbSNP rs2510915281, ClinGen allele CA402138246.
Genomic context (GRCh38, chr18:31,531,038, plus strand): 5'-CCCTTTCAGGAAGTAGATTATGAAGAAATGAAGAATCTTGACTTCAGTGTTATTGTCGCT[A>C]ATAAAGCAGCTTTTCACAAGTCGATTAGGAGTAAATACAAGCCTACACCCATTCCCATCA-3'
Protein context (NP_001934.2, residues 346-366): KNLDFSVIVA[Asn356His]KAAFHKSIRS

ClinVar aggregate classification (germline): Uncertain significance (1 of 4 stars; one submission).

Conditions:
Arrhythmogenic right ventricular dysplasia 10. Also called: Arrhythmogenic Right Ventricular Dysplasia/Cardiomyopathy10; ARRHYTHMOGENIC RIGHT VENTRICULAR DYSPLASIA, FAMILIAL, 10; Arrhythmogenic right ventricular dysplasia/cardiomyopathy, type 10. Identifiers: MedGen C1857777, MONDO:0012434, OMIM 610193.

Submission:

Labcorp Genetics (formerly Invitae), Labcorp
Classification: Uncertain significance for Arrhythmogenic right ventricular dysplasia 10. Last evaluated: 2022-06-14. Review status: criteria provided, single submitter. Criteria: Invitae Variant Classification Sherloc (09022015). Collection method: clinical testing. Allele origin: germline.
Comment: In summary, the available evidence is currently insufficient to determine the role of this variant in disease. Therefore, it has been classified as a Variant of Uncertain Significance. Algorithms developed to predict the effect of missense changes on protein structure and function (SIFT, PolyPhen-2, Align-GVGD) all suggest that this variant is likely to be disruptive. This variant has not been reported in the literature in individuals affected with DSG2-related conditions. This variant is not present in population databases (gnomAD no frequency). This sequence change replaces asparagine, which is neutral and polar, with histidine, which is basic and polar, at codon 356 of the DSG2 protein (p.Asn356His).